The following is an entry in ClinVar:

NM_000551.4(VHL):c.556G>T (p.Glu186Ter)

Genes: VHL (von Hippel-Lindau tumor suppressor; plus strand), LOC107303340 (3p25 von Hippel-Lindau tumor suppressor, E3 ubiquitin protein ligase Alu-mediated recombination region; plus strand). Cytogenetic location: 3p25.3.
Variant type: single nucleotide variant.
Coding change: c.556G>T on transcript NM_000551.4 (MANE Select); coding-DNA position 556, G replaced by T.
Protein change: p.Glu186Ter; replaces glutamic acid 186 with a stop codon.
Molecular consequence: nonsense. On other transcripts: 3 prime UTR variant (1).
Genome position (GRCh38, 1-based): chr3:10,149,879, G>T. VCF-style: chr3-10149879-G-T. GRCh37 (hg19) VCF-style: chr3-10191563-G-T.
Other names: c.*110G>T (NM_001354723.2); c.433G>T, p.Glu145Ter (NM_198156.3); short protein forms E186*, E145*.
Identifiers: ClinVar variation 381602 (VCV000381602.3), dbSNP rs367545984, ClinGen allele CA16604432.

ClinVar aggregate classification (germline): Pathogenic/Likely pathogenic. Review status: criteria provided, multiple submitters, no conflicts (2 of 4 stars). 2 submissions from 2 submitters: Pathogenic (1); Likely pathogenic (1). Last evaluated 2026-05-22.

Conditions:
Von Hippel-Lindau syndrome (VHLS). Also called: Von Hippel-Lindau; VHL syndrome; von Hippel–Lindau syndrome. Identifiers: Orphanet 892, MedGen C0019562, MONDO:0008667, OMIM 193300. Disease mechanism: loss of function.

Submissions (2):

Women's Health and Genetics/Laboratory Corporation of America, LabCorp
Classification: Pathogenic for Von Hippel-Lindau syndrome. Last evaluated: 2026-05-22. Review status: criteria provided, single submitter. Criteria: LabCorp Variant Classification Summary - May 2015. Collection method: clinical testing. Allele origin: germline.
Comment: Variant summary: VHL c.556G>T (p.Glu186X) results in a premature termination codon in the last exon and is predicted to cause a truncation of the encoded protein, however, nonsense mediated decay is not expected to occur. The variant was absent in 251418 control chromosomes. c.556G>T has been observed in multiple individuals affected with and/or with clinical features of Von Hippel-Lindau Syndrome (e.g. Chen_1995, Bruinsma_2024). These data indicate that the variant is very likely to be associated with disease. To our knowledge, no experimental evidence demonstrating an impact on protein function has been reported. The following publications have been ascertained in the context of this evaluation (PMID: 39272843, 7728151). ClinVar contains an entry for this variant (Variation ID: 381602). Based on the evidence outlined above, the variant was classified as pathogenic.

GeneDx
Classification: Likely pathogenic. Last evaluated: 2017-01-20. Review status: criteria provided, single submitter. Criteria: GeneDx Variant Classification (06012015). Collection method: clinical testing. Allele origin: germline. Affected: yes.
Comment: The E186X variant in the VHL gene has been previously reported in association with von Hippel-Lindau disease (Chen et al., 1995; Stolle et al., 1998). This variant is predicted to cause loss of normal protein function through protein truncation. Based on currently available evidence, E186X is a strong candidate for a pathogenic variant. However, the possibility it is a rare benign variant cannot be excluded.

Literature cited by the submitters: PubMed 7728151 (cited by Women's Health and Genetics/Laboratory Corporation of America, LabCorp); PubMed 39272843 (cited by Women's Health and Genetics/Laboratory Corporation of America, LabCorp).